The following is an entry in ClinVar:

NM_206937.2(LIG4):c.2316_2332del (p.Gln773fs)

Gene: LIG4 (DNA ligase 4; minus strand). Cytogenetic location: 13q33.3.
Variant type: Deletion.
Coding change: c.2316_2332del on transcript NM_206937.2 (MANE Select); coding-DNA positions 2316 to 2332, 17 bases deleted (CCAACTGAAGGAAGTAT).
Protein change: p.Gln773fs; shifts the reading frame from glutamine 773.
Molecular consequence: frameshift variant.
Genome position (GRCh38, 1-based): chr13:108,208,937-108,208,953, ATACTTCCTTCAGTTGG deleted on the plus strand (CCAACTGAAGGAAGTAT on the coding strand, the reverse complement: LIG4 is on the minus strand). VCF-style (leftmost placement, unchanged base first): chr13-108208936-AATACTTCCTTCAGTTGG-A. GRCh37 (hg19) VCF-style: chr13-108861284-AATACTTCCTTCAGTTGG-A.
Other names: c.2316_2332del, p.Gln773fs (NM_001098268.2, NM_001352598.2, NM_001352599.2 and 6 more transcripts); c.2115_2131del, p.Gln706fs (NM_001330595.2); c.2352_2368del, p.Gln785fs (NM_001352604.2); short protein forms Q773fs, Q706fs, Q785fs.
Identifiers: ClinVar variation 2842868 (VCV002842868.3), dbSNP rs2501580855, ClinGen allele CA2739277736.

ClinVar aggregate classification (germline): Pathogenic (1 of 4 stars; one submission).

Conditions:
DNA ligase IV deficiency. Identifiers: Orphanet 99812, MedGen C1847827, MONDO:0011686, OMIM 606593.

Submission:

Labcorp Genetics (formerly Invitae), Labcorp
Classification: Pathogenic for DNA ligase IV deficiency. Last evaluated: 2023-03-04. Review status: criteria provided, single submitter. Criteria: Invitae Variant Classification Sherloc (09022015). Collection method: clinical testing. Allele origin: germline.
Comment: For these reasons, this variant has been classified as Pathogenic. This variant disrupts a region of the LIG4 protein in which other variant(s) (p.Arg814*) have been determined to be pathogenic (PMID: 27063650). This suggests that this is a clinically significant region of the protein, and that variants that disrupt it are likely to be disease-causing. This variant has not been reported in the literature in individuals affected with LIG4-related conditions. This variant is not present in population databases (gnomAD no frequency). This sequence change creates a premature translational stop signal (p.Gln773Leufs*4) in the LIG4 gene. While this is not anticipated to result in nonsense mediated decay, it is expected to disrupt the last 139 amino acid(s) of the LIG4 protein.

Literature cited by the submitters: PubMed 27063650.